The following is an entry in ClinVar:

NM_182914.3(SYNE2):c.7039G>T (p.Ala2347Ser)

Gene: SYNE2 (spectrin repeat containing nuclear envelope protein 2; plus strand). Cytogenetic location: 14q23.2.
Variant type: single nucleotide variant.
Coding change: c.7039G>T on transcript NM_182914.3 (MANE Select); coding-DNA position 7039, G replaced by T.
Protein change: p.Ala2347Ser; replaces alanine 2347 with serine.
Molecular consequence: missense variant.
Genome position (GRCh38, 1-based): chr14:64,031,175, G>T. VCF-style: chr14-64031175-G-T. GRCh37 (hg19) VCF-style: chr14-64497893-G-T.
Other names: c.7039G>T, p.Ala2347Ser (NM_015180.6); short protein forms A2347S.
Identifiers: ClinVar variation 1388093 (VCV001388093.6), dbSNP rs759251788, ClinGen allele CA7220840.

ClinVar aggregate classification (germline): Uncertain significance (1 of 4 stars; one submission).

Conditions:
Emery-Dreifuss muscular dystrophy 5, autosomal dominant (EDMD5). Also called: EMERY-DREIFUSS MUSCULAR DYSTROPHY 5. Identifiers: Orphanet 261, MedGen C2751805, MONDO:0013072, OMIM 612999.

Allele frequency attached by ClinVar (database versions not stated): ExAC 0.00001; gnomAD exomes 0.00001; TOPMed 0.00007; gnomAD 0.00008 and 0.00009.
gnomAD v4.1: 20 of 1,614,070 alleles (0.0012%); highest among the groups gnomAD compares: African/African-American, 0.027%; no homozygotes.

Submission:

Labcorp Genetics (formerly Invitae), Labcorp
Classification: Uncertain significance for Emery-Dreifuss muscular dystrophy 5, autosomal dominant. Last evaluated: 2021-08-23. Review status: criteria provided, single submitter. Criteria: Invitae Variant Classification Sherloc (09022015). Collection method: clinical testing. Allele origin: germline.
Comment: This sequence change replaces alanine with serine at codon 2347 of the SYNE2 protein (p.Ala2347Ser). The alanine residue is weakly conserved and there is a moderate physicochemical difference between alanine and serine. This variant is present in population databases (rs759251788, ExAC 0.01%). This variant has not been reported in the literature in individuals affected with SYNE2-related conditions. Algorithms developed to predict the effect of missense changes on protein structure and function are either unavailable or do not agree on the potential impact of this missense change (SIFT: "Deleterious"; PolyPhen-2: "Benign"; Align-GVGD: "Class C0"). In summary, the available evidence is currently insufficient to determine the role of this variant in disease. Therefore, it has been classified as a Variant of Uncertain Significance.